The following is an entry in ClinVar:

NM_000089.4(COL1A2):c.781C>A (p.Pro261Thr)

Gene: COL1A2 (collagen type I alpha 2 chain; plus strand). Cytogenetic location: 7q21.3.
Variant type: single nucleotide variant.
Coding change: c.781C>A on transcript NM_000089.4 (MANE Select); coding-DNA position 781, C replaced by A.
Protein change: p.Pro261Thr; replaces proline 261 with threonine.
Molecular consequence: missense variant.
Genome position (GRCh38, 1-based): chr7:94,408,812, C>A. VCF-style: chr7-94408812-C-A. GRCh37 (hg19) VCF-style: chr7-94038124-C-A.
Other names: short protein forms P261T.
Identifiers: ClinVar variation 570914 (VCV000570914.14), dbSNP rs141075408, ClinGen allele CA4346814.

ClinVar aggregate classification (germline): Uncertain significance. Review status: criteria provided, multiple submitters, no conflicts (2 of 4 stars). 4 submissions from 4 submitters: Uncertain significance (4). Last evaluated 2026-06-18.

Conditions:
Ehlers-Danlos syndrome, classic type, 1 (EDSCL1). Also called: EHLERS-DANLOS SYNDROME, GRAVIS TYPE; EHLERS-DANLOS SYNDROME, SEVERE CLASSIC TYPE; Ehlers-Danlos Syndrome, Classic Type, COL5A1-Related; EDS I; Ehlers-Danlos syndrome, type 1. Identifiers: MedGen C0268335, MONDO:0019567, OMIM 130000.
Osteogenesis imperfecta type I (OI1). Also called: OI, TYPE I; Lobstein disease; OSTEOGENESIS IMPERFECTA TARDA; OSTEOGENESIS IMPERFECTA WITH BLUE SCLERAE; Osteogenesis imperfecta type 1; Lobstein's Disease. Identifiers: Orphanet 216796, Orphanet 666, MedGen C0023931, MONDO:0008146, OMIM 166200. Disease mechanism: loss of function.
Cardiovascular phenotype. Identifiers: MedGen CN230736.

Allele frequency attached by ClinVar (database versions not stated): gnomAD 0.00002; TOPMed 0.00003; ESP Exome Variant Server 0.00015.
gnomAD v4.1: 11 of 1,614,028 alleles (0.00068%); highest among the groups gnomAD compares: Non-Finnish European, 0.00093%; no homozygotes.

Submissions (4):

Ambry Genetics
Classification: Uncertain significance for Cardiovascular phenotype. Last evaluated: 2026-06-18. Review status: criteria provided, single submitter. Criteria: Ambry Variant Classification Scheme 2023. Collection method: clinical testing. Allele origin: germline.
Comment: The p.P261T variant (also known as c.781C>A), located in coding exon 16 of the COL1A2 gene, results from a C to A substitution at nucleotide position 781. The proline at codon 261 is replaced by threonine, an amino acid with highly similar properties. This amino acid position is conserved. In addition, the in silico prediction for this alteration is inconclusive. Based on the available evidence, the clinical significance of this variant remains unclear.

Women's Health and Genetics/Laboratory Corporation of America, LabCorp
Classification: Uncertain significance. Last evaluated: 2025-10-09. Review status: criteria provided, single submitter. Criteria: LabCorp Variant Classification Summary - May 2015. Collection method: clinical testing. Allele origin: germline.
Comment: Variant summary: COL1A2 c.781C>A (p.Pro261Thr) results in a non-conservative amino acid change located in the Collagen triple helix repeat domain (20 copies) (IPR008160) of the encoded protein sequence. Algorithms developed to predict the effect of missense changes on protein structure and function all suggest that this variant is likely to be disruptive. The variant allele was found at a frequency of 8e-06 in 251412 control chromosomes. The available data on variant occurrences in the general population are insufficient to allow any conclusion about variant significance. To our knowledge, no occurrence of c.781C>A in individuals affected with COL1A2-related conditions and no experimental evidence demonstrating its impact on protein function have been reported. ClinVar contains an entry for this variant (Variation ID: 570914). Based on the evidence outlined above, the variant was classified as uncertain significance.

Labcorp Genetics (formerly Invitae), Labcorp
Classification: Uncertain significance for Osteogenesis imperfecta type I; Ehlers-Danlos syndrome, classic type, 1. Last evaluated: 2024-06-19. Review status: criteria provided, single submitter. Criteria: Invitae Variant Classification Sherloc (09022015). Collection method: clinical testing. Allele origin: germline.
Comment: This sequence change replaces proline, which is neutral and non-polar, with threonine, which is neutral and polar, at codon 261 of the COL1A2 protein (p.Pro261Thr). This variant is present in population databases (rs141075408, gnomAD 0.003%). This variant has not been reported in the literature in individuals affected with COL1A2-related conditions. ClinVar contains an entry for this variant (Variation ID: 570914). Advanced modeling of protein sequence and biophysical properties (such as structural, functional, and spatial information, amino acid conservation, physicochemical variation, residue mobility, and thermodynamic stability) has been performed at Invitae for this missense variant, however the output from this modeling did not meet the statistical confidence thresholds required to predict the impact of this variant on COL1A2 protein function. In summary, the available evidence is currently insufficient to determine the role of this variant in disease. Therefore, it has been classified as a Variant of Uncertain Significance.

GeneDx
Classification: Uncertain significance. Last evaluated: 2023-12-07. Review status: criteria provided, single submitter. Criteria: GeneDx Variant Classification Process June 2021. Collection method: clinical testing. Allele origin: germline. Affected: yes.
Comment: Has not been previously published as pathogenic or benign to our knowledge; Not observed at significant frequency in large population cohorts (gnomAD); In silico analysis supports that this missense variant has a deleterious effect on protein structure/function; Occurs in the triple helical domain at the Y position in the canonical Gly-X-Y repeat; although this variant may have an effect on normal protein folding and function, missense substitution at the Y position is not a common mechanism of disease (HGMD)